The following is an entry in ClinVar:

ClinVar aggregate classification (germline): Uncertain significance (1 of 4 stars; one submission).

Conditions:
Hereditary cancer-predisposing syndrome. Also called: Neoplastic Syndromes, Hereditary; Tumor predisposition; Hereditary Cancer Syndrome; Hereditary neoplastic syndrome. Identifiers: Orphanet 140162, MedGen C0027672, MeSH D009386, MONDO:0015356.

Allele frequency attached by ClinVar (database versions not stated): gnomAD exomes below 0.00001.
gnomAD v4.1: 5 of 1,613,774 alleles (0.00031%); highest among the groups gnomAD compares: Non-Finnish European, 0.00025%; no homozygotes.

Submission:

Ambry Genetics
Classification: Uncertain significance for Hereditary cancer-predisposing syndrome. Last evaluated: 2022-07-22. Review status: criteria provided, single submitter. Criteria: Ambry Variant Classification Scheme 2023. Collection method: clinical testing. Allele origin: germline.
Comment: The c.-2C>T variant is located in the 5' untranslated region (5&rsquo; UTR) of the XRCC2 gene. This variant results from a C to T substitution 2 nucleotides upstream from the first translated codon. Based on nucleotide sequence alignment, this position is well conserved in available vertebrate species. Since supporting evidence is limited at this time, the clinical significance of this alteration remains unclear.

NM_005431.2(XRCC2):c.-2C>T

Gene: XRCC2 (X-ray repair cross complementing 2; minus strand). Cytogenetic location: 7q36.1.
Variant type: single nucleotide variant.
Coding change: c.-2C>T on transcript NM_005431.2 (MANE Select); 2 bases upstream of the start codon, C replaced by T.
Molecular consequence: 5 prime UTR variant.
Genome position (GRCh38, 1-based): chr7:152,676,081, G>A on the plus strand (C>T on the coding strand, the complement: XRCC2 is on the minus strand). VCF-style: chr7-152676081-G-A. GRCh37 (hg19) VCF-style: chr7-152373166-G-A.
Identifiers: ClinVar variation 1798655 (VCV001798655.2), dbSNP rs2485915731, ClinGen allele CA2580077734.